The following is an entry in ClinVar:

ClinVar aggregate classification (germline): Uncertain significance. Review status: criteria provided, multiple submitters, no conflicts (2 of 4 stars). 5 submissions from 5 submitters: Uncertain significance (5). Last evaluated 2024-03-01.

Conditions:
Inborn genetic diseases. Identifiers: MedGen C0950123, MeSH D030342.
Brown-Vialetto-van Laere syndrome 2. Also called: SPINOCEREBELLAR ATAXIA WITH BLINDNESS AND DEAFNESS 2; Riboflavin transporter deficiency type 2. Identifiers: Orphanet 572543, Orphanet 97229, MedGen C3553538, MONDO:0013867, OMIM 614707.

Allele frequency attached by ClinVar (database versions not stated): gnomAD 0.00005 and 0.00007; gnomAD exomes 0.00007 and 0.00012; TOPMed 0.00007; ESP Exome Variant Server 0.00008; ExAC 0.00013.

Submissions (5):

Ambry Genetics
Classification: Uncertain significance for Inborn genetic diseases. Last evaluated: 2024-03-01. Review status: criteria provided, single submitter. Criteria: Ambry Variant Classification Scheme 2023. Collection method: clinical testing. Allele origin: germline.

Labcorp Genetics (formerly Invitae), Labcorp
Classification: Uncertain significance for Brown-Vialetto-van Laere syndrome 2. Last evaluated: 2022-10-17. Review status: criteria provided, single submitter. Criteria: Invitae Variant Classification Sherloc (09022015). Collection method: clinical testing. Allele origin: germline.
Comment: This sequence change replaces tyrosine, which is neutral and polar, with cysteine, which is neutral and slightly polar, at codon 269 of the SLC52A2 protein (p.Tyr269Cys). This variant is present in population databases (rs372057075, gnomAD 0.02%). This variant has not been reported in the literature in individuals affected with SLC52A2-related conditions. ClinVar contains an entry for this variant (Variation ID: 246504). Advanced modeling of protein sequence and biophysical properties (such as structural, functional, and spatial information, amino acid conservation, physicochemical variation, residue mobility, and thermodynamic stability) performed at Invitae indicates that this missense variant is not expected to disrupt SLC52A2 protein function. In summary, the available evidence is currently insufficient to determine the role of this variant in disease. Therefore, it has been classified as a Variant of Uncertain Significance.

Kariminejad - Najmabadi Pathology & Genetics Center
Classification: Uncertain significance for Brown-Vialetto-van Laere syndrome 2. Last evaluated: 2022-04-13. Review status: criteria provided, single submitter. Criteria: ACMG Guidelines, 2015. Collection method: clinical testing. Allele origin: germline. Inheritance: Autosomal recessive inheritance. Affected: yes.
Comment: BP4, PM3, PP4

Fulgent Genetics
Classification: Uncertain significance for Brown-Vialetto-van Laere syndrome 2. Last evaluated: 2021-11-05. Review status: criteria provided, single submitter. Criteria: ACMG Guidelines, 2015. Collection method: clinical testing. Allele origin: unknown.

GeneDx
Classification: Uncertain significance. Last evaluated: 2019-06-29. Review status: criteria provided, single submitter. Criteria: GeneDx Variant Classification Process June 2021. Collection method: clinical testing. Allele origin: germline. Affected: yes.
Comment: In silico analysis, which includes protein predictors and evolutionary conservation, supports that this variant does not alter protein structure/function; Has not been previously published as pathogenic or benign to our knowledge

NM_001363118.2(SLC52A2):c.806A>G (p.Tyr269Cys)

Gene: SLC52A2 (solute carrier family 52 member 2; plus strand). Cytogenetic location: 8q24.3.
Variant type: single nucleotide variant.
Coding change: c.806A>G on transcript NM_001363118.2 (MANE Select); coding-DNA position 806, A replaced by G.
Protein change: p.Tyr269Cys; replaces tyrosine 269 with cysteine.
Molecular consequence: missense variant. On other transcripts: non-coding transcript variant (1).
Genome position (GRCh38, 1-based): chr8:144,360,298, A>G. VCF-style: chr8-144360298-A-G. GRCh37 (hg19) VCF-style: chr8-145583958-A-G.
Other names: c.806A>G, p.Tyr269Cys (NM_001253815.2, NM_001253816.2, NM_001363120.2 and 2 more transcripts); c.314A>G, p.Tyr105Cys (NM_001363122.2); short protein forms Y269C, Y105C.
Identifiers: ClinVar variation 246504 (VCV000246504.12), dbSNP rs372057075, ClinGen allele CA4938280.